The following is an entry in ClinVar:

NM_017947.4(MOCOS):c.1665dup (p.Pro556fs)

Gene: MOCOS (molybdenum cofactor sulfurase; plus strand). Cytogenetic location: 18q12.2.
Variant type: Duplication.
Coding change: c.1665dup on transcript NM_017947.4 (MANE Select); coding-DNA position 1665, one base duplicated (A; older notation c.1665dupA).
Protein change: p.Pro556fs; shifts the reading frame from proline 556.
Molecular consequence: frameshift variant.
Genome position (GRCh38, 1-based): chr18:36,215,845, A duplicated. VCF-style (leftmost placement, unchanged base first): chr18-36215844-C-CA. GRCh37 (hg19) VCF-style: chr18-33795807-C-CA.
Other names: short protein forms P556fs.
Identifiers: ClinVar variation 1452480 (VCV001452480.6), dbSNP rs2091474513, ClinGen allele CA2295985040.
Genomic context (GRCh38, chr18:36,215,844, plus strand): 5'-CCCTCACAGGCTCCAGGGTTTGGAACAACTCGTCTACTGTGAATGCTGTGCCTGTGGCCC[C>CA]ACCTGTGTGTGATGTCGCCAGAACCCAGCCGACTCCTTCAGAGAAAGCTGCAGGAGTCCT-3'

ClinVar aggregate classification (germline): Pathogenic (1 of 4 stars; one submission).

Conditions:
Xanthinuria type II. Also called: Xanthine dehydrogenase and aldehyde oxidase combined deficiency of; XDH and AOX dual deficiency. Identifiers: Orphanet 3467, Orphanet 93602, MedGen C1863688, MONDO:0011346, OMIM 603592.

Allele frequency attached by ClinVar (database versions not stated): TOPMed below 0.00001.

Submission:

Labcorp Genetics (formerly Invitae), Labcorp
Classification: Pathogenic for Xanthinuria type II. Last evaluated: 2022-10-03. Review status: criteria provided, single submitter. Criteria: Invitae Variant Classification Sherloc (09022015). Collection method: clinical testing. Allele origin: germline.
Comment: ClinVar contains an entry for this variant (Variation ID: 1452480). For these reasons, this variant has been classified as Pathogenic. This variant has not been reported in the literature in individuals affected with MOCOS-related conditions. This variant is not present in population databases (gnomAD no frequency). This sequence change creates a premature translational stop signal (p.Pro556Thrfs*4) in the MOCOS gene. It is expected to result in an absent or disrupted protein product. Loss-of-function variants in MOCOS are known to be pathogenic (PMID: 11302742, 17368066).

Literature cited by the submitters: PubMed 11302742; PubMed 17368066.